The following is an entry in ClinVar:

NM_001377229.1(DISP1):c.2773T>G (p.Leu925Val)

Gene: DISP1 (dispatched RND transporter family member 1; plus strand). Cytogenetic location: 1q41.
Variant type: single nucleotide variant.
Coding change: c.2773T>G on transcript NM_001377229.1 (MANE Select); coding-DNA position 2773, T replaced by G.
Protein change: p.Leu925Val; replaces leucine 925 with valine.
Molecular consequence: missense variant.
Genome position (GRCh38, 1-based): chr1:223,004,170, T>G. VCF-style: chr1-223004170-T-G. GRCh37 (hg19) VCF-style: chr1-223177512-T-G.
Other names: c.2044T>G, p.Leu682Val (NM_001350630.2); c.2773T>G, p.Leu925Val (NM_001369594.1, NM_001377228.1, NM_032890.5); short protein forms L682V, L925V.
Identifiers: ClinVar variation 4797831 (VCV004797831.1).

ClinVar aggregate classification (germline): Uncertain significance (1 of 4 stars; one submission).

gnomAD v4.1: 10 of 1,614,054 alleles (0.00062%); highest among the groups gnomAD compares: Non-Finnish European, 0.00085%; no homozygotes.

Submission:

Labcorp Genetics (formerly Invitae), Labcorp
Classification: Uncertain significance. Last evaluated: 2025-03-24. Review status: criteria provided, single submitter. Criteria: Invitae Variant Classification Sherloc (09022015). Collection method: clinical testing. Allele origin: germline.
Comment: This sequence change replaces leucine, which is neutral and non-polar, with valine, which is neutral and non-polar, at codon 925 of the DISP1 protein (p.Leu925Val). This variant is present in population databases (no rsID available, gnomAD 0.0009%). This variant has not been reported in the literature in individuals affected with DISP1-related conditions. An algorithm developed to predict the effect of missense changes on protein structure and function (PolyPhen-2) suggests that this variant is likely to be tolerated. In summary, the available evidence is currently insufficient to determine the role of this variant in disease. Therefore, it has been classified as a Variant of Uncertain Significance.